The following is an entry in ClinVar:

NM_001379500.1(COL18A1):c.1568G>A (p.Gly523Asp)

Gene: COL18A1 (collagen type XVIII alpha 1 chain; plus strand). Cytogenetic location: 21q22.3.
Variant type: single nucleotide variant.
Coding change: c.1568G>A on transcript NM_001379500.1 (MANE Select); coding-DNA position 1568, G replaced by A.
Protein change: p.Gly523Asp; replaces glycine 523 with aspartic acid.
Molecular consequence: missense variant.
Genome position (GRCh38, 1-based): chr21:45,480,815, G>A. VCF-style: chr21-45480815-G-A. GRCh37 (hg19) VCF-style: chr21-46900729-G-A.
Other names: c.2108G>A, p.Gly703Asp (NM_030582.4); c.2813G>A, p.Gly938Asp (NM_130444.3); short protein forms G523D, G703D, G938D.
Identifiers: ClinVar variation 2093048 (VCV002093048.4), dbSNP rs2035865495, ClinGen allele CA410517901.

ClinVar aggregate classification (germline): Uncertain significance (1 of 4 stars; one submission).

Allele frequency attached by ClinVar (database versions not stated): gnomAD exomes below 0.00001; gnomAD 0.00001.
gnomAD v4.1: 2 of 1,611,900 alleles (0.00012%); highest among the groups gnomAD compares: East Asian, 0.0022%; no homozygotes.

Submission:

Labcorp Genetics (formerly Invitae), Labcorp
Classification: Uncertain significance. Last evaluated: 2022-02-04. Review status: criteria provided, single submitter. Criteria: Invitae Variant Classification Sherloc (09022015). Collection method: clinical testing. Allele origin: germline.
Comment: This variant has not been reported in the literature in individuals affected with COL18A1-related conditions. In summary, the available evidence is currently insufficient to determine the role of this variant in disease. Therefore, it has been classified as a Variant of Uncertain Significance. Experimental studies and prediction algorithms are not available or were not evaluated, and the functional significance of this variant is currently unknown. This variant is not present in population databases (gnomAD no frequency). This sequence change replaces glycine, which is neutral and non-polar, with aspartic acid, which is acidic and polar, at codon 523 of the COL18A1 protein (p.Gly523Asp).